The following is an entry in ClinVar:

NM_001042702.5(PJVK):c.841C>T (p.Pro281Ser)

Gene: PJVK (pejvakin; plus strand). Cytogenetic location: 2q31.2.
Variant type: single nucleotide variant.
Coding change: c.841C>T on transcript NM_001042702.5 (MANE Select); coding-DNA position 841, C replaced by T.
Protein change: p.Pro281Ser; replaces proline 281 with serine.
Molecular consequence: missense variant.
Genome position (GRCh38, 1-based): chr2:178,461,056, C>T. VCF-style: chr2-178461056-C-T. GRCh37 (hg19) VCF-style: chr2-179325783-C-T.
Other names: c.850C>T, p.Pro284Ser (NM_001353775.2); c.847C>T, p.Pro283Ser (NM_001353776.2); c.364C>T, p.Pro122Ser (NM_001353777.1, NM_001353778.2); c.841C>T, p.Pro281Ser (NM_001369912.1); short protein forms P281S, P284S, P122S, P283S.
Identifiers: ClinVar variation 504566 (VCV000504566.6), dbSNP rs377275979, ClinGen allele CA1984313.

ClinVar aggregate classification (germline): Conflicting classifications of pathogenicity. Review status: criteria provided, conflicting classifications (1 of 4 stars). 2 submissions from 2 submitters: Uncertain significance (1); Likely benign (1). Last evaluated 2024-07-30.

Conditions:
Inborn genetic diseases. Identifiers: MedGen C0950123, MeSH D030342.

Allele frequency attached by ClinVar (database versions not stated): gnomAD 0.00001 and 0.00002; ExAC 0.00002; gnomAD exomes 0.00002; TOPMed 0.00002; ESP Exome Variant Server 0.00008.
gnomAD v4.1: 86 of 1,613,908 alleles (0.0053%); highest among the groups gnomAD compares: Non-Finnish European, 0.007%; no homozygotes.

Submissions (2):

Ambry Genetics
Classification: Uncertain significance for Inborn genetic diseases. Last evaluated: 2024-07-30. Review status: criteria provided, single submitter. Criteria: Ambry Variant Classification Scheme 2023. Collection method: clinical testing. Allele origin: germline.

Laboratory for Molecular Medicine, Mass General Brigham Personalized Medicine
Classification: Likely benign. Last evaluated: 2016-06-02. Review status: criteria provided, single submitter. Criteria: LMM Criteria. Collection method: clinical testing. Allele origin: germline. Observed: 1 variant allele.
Comment: p.Pro281Ser in exon 7 of DFNB59: This variant is not expected to have clinical significance due to a lack of conservation across species, including mammals. Of note, 5 mammals (dolphin, killer whale, Cape golden mole, Tasmanian devil, and mallard) have a serine (Ser) at this position despite high nearby amino acid con servation.